The following is an entry in ClinVar:

ClinVar aggregate classification (germline): Uncertain significance (1 of 4 stars; one submission).

Conditions:
Focal segmental glomerulosclerosis 5 (FSGS5). Identifiers: Orphanet 656, MedGen C2750475, MONDO:0013191, OMIM 613237.
Charcot-Marie-Tooth disease dominant intermediate E. Also called: CHARCOT-MARIE-TOOTH NEUROPATHY WITH FOCAL SEGMENTAL GLOMERULONEPHRITIS. Identifiers: Orphanet 93114, MedGen C4302667, MONDO:0013758, OMIM 614455.

Allele frequency attached by ClinVar (database versions not stated): gnomAD 0.00001; gnomAD exomes 0.00001; TOPMed 0.00002.
gnomAD v4.1: 8 of 1,613,304 alleles (0.0005%); highest among the groups gnomAD compares: Non-Finnish European, 0.00068%; no homozygotes.

Submission:

Labcorp Genetics (formerly Invitae), Labcorp
Classification: Uncertain significance for Charcot-Marie-Tooth disease dominant intermediate E; Focal segmental glomerulosclerosis 5. Last evaluated: 2022-09-28. Review status: criteria provided, single submitter. Criteria: Invitae Variant Classification Sherloc (09022015). Collection method: clinical testing. Allele origin: germline.
Comment: In summary, the available evidence is currently insufficient to determine the role of this variant in disease. Therefore, it has been classified as a Variant of Uncertain Significance. Advanced modeling of protein sequence and biophysical properties (such as structural, functional, and spatial information, amino acid conservation, physicochemical variation, residue mobility, and thermodynamic stability) has been performed at Invitae for this missense variant, however the output from this modeling did not meet the statistical confidence thresholds required to predict the impact of this variant on INF2 protein function. This variant has not been reported in the literature in individuals affected with INF2-related conditions. This variant is not present in population databases (gnomAD no frequency). This sequence change replaces alanine, which is neutral and non-polar, with threonine, which is neutral and polar, at codon 164 of the INF2 protein (p.Ala164Thr).

NM_022489.4(INF2):c.490G>A (p.Ala164Thr)

Gene: INF2 (inverted formin 2; plus strand). Cytogenetic location: 14q32.33.
Variant type: single nucleotide variant.
Coding change: c.490G>A on transcript NM_022489.4 (MANE Select); coding-DNA position 490, G replaced by A.
Protein change: p.Ala164Thr; replaces alanine 164 with threonine.
Molecular consequence: missense variant.
Genome position (GRCh38, 1-based): chr14:104,703,203, G>A. VCF-style: chr14-104703203-G-A. GRCh37 (hg19) VCF-style: chr14-105169540-G-A.
Other names: c.490G>A, p.Ala164Thr (NM_001031714.4, NM_032714.3); short protein forms A164T.
Identifiers: ClinVar variation 2174056 (VCV002174056.4), dbSNP rs755015990, ClinGen allele CA267318594.